The following is an entry in ClinVar:

ClinVar aggregate classification (germline): Uncertain significance. Review status: criteria provided, multiple submitters, no conflicts (2 of 4 stars). 2 submissions from 2 submitters: Uncertain significance (2). Last evaluated 2024-09-15.
ClinVar aggregate classification (oncogenicity): Uncertain significance (0 of 4 stars; one submission).

Conditions:
Hereditary cancer-predisposing syndrome. Also called: Hereditary neoplastic syndrome; Neoplastic Syndromes, Hereditary; Hereditary Cancer Syndrome; Tumor predisposition. Identifiers: Orphanet 140162, MedGen C0027672, MeSH D009386, MONDO:0015356.
Gastrointestinal stromal tumor. Also called: Gastrointestinal stromal tumor, somatic; Gastrointestinal stroma tumor. Identifiers: Orphanet 44890, MedGen C0238198, MeSH D046152, MONDO:0011719, OMIM 606764, HP:0100723.

Allele frequency attached by ClinVar (database versions not stated): TOPMed below 0.00001.

Submissions (3):

Ambry Genetics
Classification: Uncertain significance for Hereditary cancer-predisposing syndrome. Last evaluated: 2024-09-15. Review status: criteria provided, single submitter. Criteria: Ambry Variant Classification Scheme 2023. Collection method: clinical testing. Allele origin: germline.
Comment: The p.H580D variant (also known as c.1738C>G), located in coding exon 11 of the KIT gene, results from a C to G substitution at nucleotide position 1738. The histidine at codon 580 is replaced by aspartic acid, an amino acid with similar properties. This amino acid position is conserved. In addition, the in silico prediction for this alteration is inconclusive. Based on the available evidence, the clinical significance of this variant remains unclear.

Labcorp Genetics (formerly Invitae), Labcorp
Classification: Uncertain significance for Gastrointestinal stromal tumor. Last evaluated: 2024-07-04. Review status: criteria provided, single submitter. Criteria: Invitae Variant Classification Sherloc (09022015). Collection method: clinical testing. Allele origin: germline.
Comment: This sequence change replaces histidine, which is basic and polar, with aspartic acid, which is acidic and polar, at codon 580 of the KIT protein (p.His580Asp). This variant is not present in population databases (gnomAD no frequency). This variant has not been reported in the literature in individuals affected with KIT-related conditions. ClinVar contains an entry for this variant (Variation ID: 953984). An algorithm developed to predict the effect of missense changes on protein structure and function (PolyPhen-2) suggests that this variant is likely to be tolerated. In summary, the available evidence is currently insufficient to determine the role of this variant in disease. Therefore, it has been classified as a Variant of Uncertain Significance.

National Institute of Cancer Research, National Health Research Institutes
Classification: Uncertain significance for Gastrointestinal stromal tumor. Review status: no assertion criteria provided. Collection method: research. Allele origin: somatic. Observed: 1 variant allele.
Comment: clinical data

NM_000222.3(KIT):c.1738C>G (p.His580Asp)

Gene: KIT (KIT proto-oncogene, receptor tyrosine kinase; plus strand). Cytogenetic location: 4q12.
Variant type: single nucleotide variant.
Coding change: c.1738C>G on transcript NM_000222.3 (MANE Select); coding-DNA position 1738, C replaced by G.
Protein change: p.His580Asp; replaces histidine 580 with aspartic acid.
Molecular consequence: missense variant.
Genome position (GRCh38, 1-based): chr4:54,727,506, C>G. VCF-style: chr4-54727506-C-G. GRCh37 (hg19) VCF-style: chr4-55593672-C-G.
Other names: c.1726C>G, p.His576Asp (NM_001093772.2, NM_001385286.1); c.1741C>G, p.His581Asp (NM_001385284.1, NM_001385290.1); c.1738C>G, p.His580Asp (NM_001385285.1); c.1729C>G, p.His577Asp (NM_001385288.1, NM_001385292.1); short protein forms H580D, H576D, H577D, H581D.
Identifiers: ClinVar variation 953984 (VCV000953984.12), dbSNP rs1437044852, ClinGen allele CA356907601.
Genomic context (GRCh38, chr4:54,727,506, plus strand): 5'-GTTGAGGAGATAAATGGAAACAATTATGTTTACATAGACCCAACACAACTTCCTTATGAT[C>G]ACAAATGGGAGTTTCCCAGAAACAGGCTGAGTTTTGGTCAGTATGAAACAGGGGCTTTCC-3'
Protein context (NP_000213.1, residues 570-590): YIDPTQLPYD[His580Asp]KWEFPRNRLS